The following is an entry in ClinVar:

NM_201384.3(PLEC):c.4253T>G (p.Ile1418Ser)

Gene: PLEC (plectin; minus strand). Cytogenetic location: 8q24.3.
Variant type: single nucleotide variant.
Coding change: c.4253T>G on transcript NM_201384.3 (MANE Select); coding-DNA position 4253, T replaced by G.
Protein change: p.Ile1418Ser; replaces isoleucine 1418 with serine.
Molecular consequence: missense variant. On other transcripts: intron variant (1).
Genome position (GRCh38, 1-based): chr8:143,925,676, A>C on the plus strand (T>G on the coding strand, the complement: PLEC is on the minus strand). VCF-style: chr8-143925676-A-C. GRCh37 (hg19) VCF-style: chr8-144999844-A-C.
Other names: c.4334T>G, p.Ile1445Ser (NM_000445.5); c.4211T>G, p.Ile1404Ser (NM_201378.4); c.4187T>G, p.Ile1396Ser (NM_201379.3); c.4664T>G, p.Ile1555Ser (NM_201380.4); c.4157T>G, p.Ile1386Ser (NM_201381.3); c.4253T>G, p.Ile1418Ser (NM_201382.4); c.4265T>G, p.Ile1422Ser (NM_201383.3); c.4125+1108T>G (NM_001410941.1); short protein forms I1396S, I1404S, I1418S, I1445S, I1422S, I1555S, I1386S.
Identifiers: ClinVar variation 2948717 (VCV002948717.3), dbSNP rs1321411271, ClinGen allele CA372558912.
Genomic context (GRCh38, chr8:143,925,676, plus strand): 5'-CGGGCCTTGGCCTGGATCTCCGCCTCCGAGCTCTGCCGCAGCTGCTGCAGCTCCTCCTGA[A>C]TGCTGCGCTTCTGCTGCTGCGCGTCCACCGCCGCCTCCTCCCGCCGCACCACCTCCTCCT-3'
Protein context (NP_958786.1, residues 1408-1428): AVDAQQQKRS[Ile1418Ser]QEELQQLRQS

ClinVar aggregate classification (germline): Uncertain significance (1 of 4 stars; one submission).

Conditions:
Epidermolysis bullosa simplex with nail dystrophy (EBS5D). Identifiers: MedGen C4225309, MONDO:0014661, OMIM 616487.
Epidermolysis bullosa simplex, Ogna type (EBS5A). Also called: Pidermolysis bullosa simplex 5A, Ogna type; EPIDERMOLYSIS BULLOSA SIMPLEX 5A, OGNA TYPE. Identifiers: Orphanet 79401, MedGen C0432317, MONDO:0007555, OMIM 131950.
Autosomal recessive limb-girdle muscular dystrophy type 2Q (LGMDR17). Also called: MUSCULAR DYSTROPHY, LIMB-GIRDLE, AUTOSOMAL RECESSIVE 17. Identifiers: Orphanet 254361, MedGen C3150989, MONDO:0013390, OMIM 613723.
Epidermolysis bullosa simplex 5B, with muscular dystrophy (EBS5B). Also called: EPIDERMOLYSIS BULLOSA SIMPLEX AND LIMB-GIRDLE MUSCULAR DYSTROPHY; Epidermolysis bullosa simplex with muscular dystrophy. Identifiers: Orphanet 257, MedGen C2931072, MONDO:0009181, OMIM 226670.
Epidermolysis bullosa simplex 5C, with pyloric atresia (EBS5C). Also called: PLEC-Related Epidermolysis Bullosa with Pyloric Atresia; Epidermolysis bullosa simplex with pyloric atresia; PLEC1-Related Epidermolysis Bullosa with Pyloric Atresia. Identifiers: Orphanet 158684, MedGen C2677349, MONDO:0012807, OMIM 612138.

Allele frequency attached by ClinVar (database versions not stated): gnomAD 0.00001.
gnomAD v4.1: 1 of 1,590,278 alleles (0.000063%); highest among the groups gnomAD compares: African/African-American, 0.0013%; no homozygotes.

Submission:

Labcorp Genetics (formerly Invitae), Labcorp
Classification: Uncertain significance for Autosomal recessive limb-girdle muscular dystrophy type 2Q; Epidermolysis bullosa simplex, Ogna type; Epidermolysis bullosa simplex with nail dystrophy; Epidermolysis bullosa simplex 5C, with pyloric atresia; Epidermolysis bullosa simplex 5B, with muscular dystrophy. Last evaluated: 2023-05-27. Review status: criteria provided, single submitter. Criteria: Invitae Variant Classification Sherloc (09022015). Collection method: clinical testing. Allele origin: germline.
Comment: This variant is not present in population databases (gnomAD no frequency). This sequence change replaces isoleucine, which is neutral and non-polar, with serine, which is neutral and polar, at codon 1445 of the PLEC protein (p.Ile1445Ser). In summary, the available evidence is currently insufficient to determine the role of this variant in disease. Therefore, it has been classified as a Variant of Uncertain Significance. Advanced modeling of protein sequence and biophysical properties (such as structural, functional, and spatial information, amino acid conservation, physicochemical variation, residue mobility, and thermodynamic stability) performed at Invitae indicates that this missense variant is expected to disrupt PLEC protein function. This variant has not been reported in the literature in individuals affected with PLEC-related conditions.